The following is an entry in ClinVar:

NM_002972.4(SBF1):c.721C>T (p.Arg241Trp)

Gene: SBF1 (SET binding factor 1; minus strand). Cytogenetic location: 22q13.33.
Variant type: single nucleotide variant.
Coding change: c.721C>T on transcript NM_002972.4 (MANE Select); coding-DNA position 721, C replaced by T.
Protein change: p.Arg241Trp; replaces arginine 241 with tryptophan.
Molecular consequence: missense variant.
Genome position (GRCh38, 1-based): chr22:50,466,417, G>A on the plus strand (C>T on the coding strand, the complement: SBF1 is on the minus strand). VCF-style: chr22-50466417-G-A. GRCh37 (hg19) VCF-style: chr22-50904846-G-A.
Other names: c.724C>T, p.Arg242Trp (NM_001365819.1); short protein forms R241W, R242W.
Identifiers: ClinVar variation 1186197 (VCV001186197.6), dbSNP rs368027327, ClinGen allele CA10317991.

ClinVar aggregate classification (germline): Uncertain significance. Review status: criteria provided, multiple submitters, no conflicts (2 of 4 stars). 3 submissions from 3 submitters: Uncertain significance (3). Last evaluated 2022-07-06.

Allele frequency attached by ClinVar (database versions not stated): ESP Exome Variant Server 0.00008; gnomAD 0.00009 and 0.00010; gnomAD exomes 0.00009; TOPMed 0.00010.

Submissions (3):

Labcorp Genetics (formerly Invitae), Labcorp
Classification: Uncertain significance. Last evaluated: 2022-07-06. Review status: criteria provided, single submitter. Criteria: Invitae Variant Classification Sherloc (09022015). Collection method: clinical testing. Allele origin: germline.
Comment: This sequence change replaces arginine, which is basic and polar, with tryptophan, which is neutral and slightly polar, at codon 241 of the SBF1 protein (p.Arg241Trp). This variant is present in population databases (rs368027327, gnomAD 0.02%). This variant has not been reported in the literature in individuals affected with SBF1-related conditions. ClinVar contains an entry for this variant (Variation ID: 1186197). Algorithms developed to predict the effect of missense changes on protein structure and function are either unavailable or do not agree on the potential impact of this missense change (SIFT: "Deleterious"; PolyPhen-2: "Probably Damaging"; Align-GVGD: "Class C0"). In summary, the available evidence is currently insufficient to determine the role of this variant in disease. Therefore, it has been classified as a Variant of Uncertain Significance.

Ambry Genetics
Classification: Uncertain significance. Last evaluated: 2021-08-02. Review status: criteria provided, single submitter. Criteria: Ambry Variant Classification Scheme 2023. Collection method: clinical testing. Allele origin: germline.

GeneDx
Classification: Uncertain significance. Last evaluated: 2020-02-27. Review status: criteria provided, single submitter. Criteria: GeneDx Variant Classification Process June 2021. Collection method: clinical testing. Allele origin: germline. Affected: yes.
Comment: In silico analysis supports that this missense variant has a deleterious effect on protein structure/function; Has not been previously published as pathogenic or benign to our knowledge